The following is an entry in ClinVar:

NM_000257.4(MYH7):c.3682C>T (p.Leu1228=)

Gene: MYH7 (myosin heavy chain 7; minus strand). Cytogenetic location: 14q11.2.
Variant type: single nucleotide variant.
Coding change: c.3682C>T on transcript NM_000257.4 (MANE Select); coding-DNA position 3682, C replaced by T.
Protein change: p.Leu1228=; no amino-acid change (leucine 1228 retained).
Molecular consequence: synonymous variant.
Genome position (GRCh38, 1-based): chr14:23,419,889, G>A on the plus strand (C>T on the coding strand, the complement: MYH7 is on the minus strand). VCF-style: chr14-23419889-G-A. GRCh37 (hg19) VCF-style: chr14-23889098-G-A.
Other names: p.L1228L:CTG>TTG; c.3682C>T (LRG_384t1).
Identifiers: ClinVar variation 181162 (VCV000181162.25), dbSNP rs560995739, ClinGen allele CA013964.

ClinVar aggregate classification (germline): Benign/Likely benign. Review status: criteria provided, multiple submitters, no conflicts (2 of 4 stars). 10 submissions from 10 submitters: Benign (1); Likely benign (6). 3 of the submissions do not count toward it. Last evaluated 2025-12-03.

Conditions:
Cardiovascular phenotype. Identifiers: MedGen CN230736.
Cardiomyopathy (CMYO). Also called: Cardiomyopathies. Identifiers: Orphanet 167848, MedGen C0878544, MONDO:0004994, HP:0001638. Inheritance: Various modes of inheritance.
Hypertrophic cardiomyopathy. Also called: HYPERTROPHIC MYOCARDIOPATHY. Identifiers: Orphanet 217569, MedGen C0007194, MeSH D002312, MONDO:0005045, HP:0001639.

Allele frequency attached by ClinVar (database versions not stated): gnomAD 0.00001 and 0.00003; TOPMed 0.00003; gnomAD exomes 0.00005 and 0.00011; ExAC 0.00013; 1000 Genomes Project 30x 0.00031; 1000 Genomes Project 0.00040.
gnomAD v4.1: 95 of 1,613,652 alleles (0.0059%); highest among the groups gnomAD compares: South Asian, 0.063%; no homozygotes.

Submissions (10):

Labcorp Genetics (formerly Invitae), Labcorp
Classification: Likely benign for Hypertrophic cardiomyopathy. Last evaluated: 2025-12-03. Review status: criteria provided, single submitter. Criteria: Invitae Variant Classification Sherloc (09022015). Collection method: clinical testing. Allele origin: germline.

Blueprint Genetics
Classification: Likely benign. Last evaluated: 2024-10-09. Review status: criteria provided, single submitter. Criteria: ACMG Guidelines, 2015. Collection method: clinical testing. Allele origin: germline.

All of Us Research Program, National Institutes of Health
Classification: Likely benign for Cardiomyopathy. Last evaluated: 2024-02-05. Review status: criteria provided, single submitter. Criteria: ACMG Guidelines, 2015. Collection method: clinical testing. Allele origin: germline. Inheritance: Autosomal dominant inheritance. Observed: 11 variant alleles, 11 heterozygotes.
Comment: This study involves interpretation of variants in research participants for the purpose of population health screening. Participant phenotype was not available at the time of variant classification. Additional details can be found in publication PMID: 35346344, PMCID: PMC8962531

CHEO Genetics Diagnostic Laboratory, Children's Hospital of Eastern Ontario
Classification: Likely benign for Cardiomyopathy. Last evaluated: 2021-10-25. Review status: criteria provided, single submitter. Criteria: ACMG Guidelines, 2015. Collection method: clinical testing. Allele origin: germline.

Color Diagnostics, LLC DBA Color Health
Classification: Likely benign for Cardiomyopathy. Last evaluated: 2018-05-12. Review status: criteria provided, single submitter. Criteria: ACMG Guidelines, 2015. Collection method: clinical testing. Allele origin: germline.

Ambry Genetics
Classification: Likely benign for Cardiovascular phenotype. Last evaluated: 2016-02-25. Review status: criteria provided, single submitter. Criteria: Ambry Variant Classification Scheme 2023. Collection method: clinical testing. Allele origin: germline.

GeneDx
Classification: Benign. Last evaluated: 2014-09-19. Review status: criteria provided, single submitter. Criteria: GeneDx Variant Classification (06012015). Collection method: clinical testing. Allele origin: germline. Affected: yes.
Comment: This variant is considered likely benign or benign based on one or more of the following criteria: it is a conservative change, it occurs at a poorly conserved position in the protein, it is predicted to be benign by multiple in silico algorithms, and/or has population frequency not consistent with disease.

Clinical Genetics, Academic Medical Center
Classification: Benign. Review status: no assertion criteria provided. Collection method: clinical testing. Allele origin: germline. Affected: yes. Study: VKGL Data-share Consensus. Not counted in ClinVar's aggregate classification.

Genome Diagnostics Laboratory, University Medical Center Utrecht
Classification: Likely benign. Review status: no assertion criteria provided. Collection method: clinical testing. Allele origin: germline. Affected: yes. Study: VKGL Data-share Consensus. Not counted in ClinVar's aggregate classification.

Joint Genome Diagnostic Labs from Nijmegen and Maastricht, Radboudumc and MUMC+
Classification: Likely benign. Review status: no assertion criteria provided. Collection method: clinical testing. Allele origin: germline. Affected: yes. Study: VKGL Data-share Consensus. Not counted in ClinVar's aggregate classification.